The following is an entry in ClinVar:

ClinVar aggregate classification (germline): Likely pathogenic (1 of 4 stars; one submission).

Conditions:
Primary ciliary dyskinesia 23 (CILD23). Also called: CILIARY DYSKINESIA, PRIMARY, 23, WITH OR WITHOUT SITUS INVERSUS. Identifiers: Orphanet 244, MedGen C3809548, MONDO:0014193, OMIM 615451.

Submission:

Labcorp Genetics (formerly Invitae), Labcorp
Classification: Likely pathogenic for Primary ciliary dyskinesia 23. Last evaluated: 2024-10-03. Review status: criteria provided, single submitter. Criteria: Invitae Variant Classification Sherloc (09022015). Collection method: clinical testing. Allele origin: germline.
Comment: This sequence change affects a donor splice site in intron 18 of the ARMC4 gene. It is expected to disrupt RNA splicing. Variants that disrupt the donor or acceptor splice site typically lead to a loss of protein function (PMID: 16199547), and loss-of-function variants in ARMC4 are known to be pathogenic (PMID: 23849778). This variant is not present in population databases (gnomAD no frequency). Disruption of this splice site has been observed in individual(s) with ciliary dyskinesia (internal data). Algorithms developed to predict the effect of sequence changes on RNA splicing suggest that this variant may disrupt the consensus splice site. In summary, the currently available evidence indicates that the variant is pathogenic, but additional data are needed to prove that conclusively. Therefore, this variant has been classified as Likely Pathogenic.

Literature cited by the submitters: PubMed 16199547; PubMed 23849778.

NM_018076.5(ODAD2):c.2799+2T>C

Gene: ODAD2 (outer dynein arm docking complex subunit 2; minus strand). Cytogenetic location: 10p12.1.
Variant type: single nucleotide variant.
Coding change: c.2799+2T>C on transcript NM_018076.5 (MANE Select); the canonical splice donor site of the intron after coding-DNA position 2799, T replaced by C.
Molecular consequence: splice donor variant.
Genome position (GRCh38, 1-based): chr10:27,862,432, A>G on the plus strand (T>C on the coding strand, the complement: ODAD2 is on the minus strand). VCF-style: chr10-27862432-A-G. GRCh37 (hg19) VCF-style: chr10-28151361-A-G.
Other names: c.2799+2T>C (NM_001290020.2); c.1875+2T>C (NM_001312689.2); c.1374+2T>C (NM_001290021.2).
Identifiers: ClinVar variation 3690946 (VCV003690946.2).